The following is an entry in ClinVar:

ClinVar aggregate classification (germline): Uncertain significance. Review status: criteria provided, multiple submitters, no conflicts (2 of 4 stars). 2 submissions from 2 submitters: Uncertain significance (2). Last evaluated 2026-05-27.

Conditions:
PLXNA1-related disorder. Also called: PLXNA1-related condition.

Allele frequency attached by ClinVar (database versions not stated): gnomAD exomes 0.00001.
gnomAD v4.1: 29 of 1,595,616 alleles (0.0018%); highest among the groups gnomAD compares: Admixed American, 0.028%; no homozygotes.

Submissions (2):

PreventionGenetics, part of Exact Sciences
Classification: Uncertain significance for PLXNA1-related condition. Last evaluated: 2026-05-27. Review status: criteria provided, single submitter. Criteria: ACMG Guidelines, 2015. Collection method: clinical testing. Allele origin: germline.
Comment: The PLXNA1 c.2504G>A variant is predicted to result in the amino acid substitution p.Arg835His. To our knowledge, this variant has not been reported in the literature. This variant is reported in 0.012% of alleles in individuals of Latino descent in gnomAD. At this time, the clinical significance of this variant is uncertain due to the absence of conclusive functional and genetic evidence.

Ambry Genetics
Classification: Uncertain significance. Last evaluated: 2024-10-28. Review status: criteria provided, single submitter. Criteria: Ambry Variant Classification Scheme 2023. Collection method: clinical testing. Allele origin: germline.

NM_032242.4(PLXNA1):c.2504G>A (p.Arg835His)

Gene: PLXNA1 (plexin A1; plus strand). Cytogenetic location: 3q21.3.
Variant type: single nucleotide variant.
Coding change: c.2504G>A on transcript NM_032242.4 (MANE Select); coding-DNA position 2504, G replaced by A.
Protein change: p.Arg835His; replaces arginine 835 with histidine.
Molecular consequence: missense variant.
Genome position (GRCh38, 1-based): chr3:127,014,275, G>A. VCF-style: chr3-127014275-G-A. GRCh37 (hg19) VCF-style: chr3-126733118-G-A.
Other names: short protein forms R835H.
Identifiers: ClinVar variation 2214955 (VCV002214955.5), dbSNP rs1228235901, ClinGen allele CA354386205.